The following is an entry in ClinVar:

ClinVar aggregate classification (germline): Uncertain significance (1 of 4 stars; one submission).

gnomAD v4.1: 1 of 1,613,976 alleles (0.000062%); highest among the groups gnomAD compares: Non-Finnish European, 0.000085%; no homozygotes.

Submission:

GeneDx
Classification: Uncertain significance. Last evaluated: 2024-03-12. Review status: criteria provided, single submitter. Criteria: GeneDx Variant Classification Process June 2021. Collection method: clinical testing. Allele origin: germline. Affected: yes.
Comment: Not observed at significant frequency in large population cohorts (gnomAD); In silico analysis supports that this missense variant has a deleterious effect on protein structure/function; Has not been previously published as pathogenic or benign to our knowledge

NM_001378974.1(FBXW11):c.1412G>A (p.Arg471Gln)

Gene: FBXW11 (F-box and WD repeat domain containing 11; minus strand). Cytogenetic location: 5q35.1.
Variant type: single nucleotide variant.
Coding change: c.1412G>A on transcript NM_001378974.1 (MANE Select); coding-DNA position 1412, G replaced by A.
Protein change: p.Arg471Gln; replaces arginine 471 with glutamine.
Molecular consequence: missense variant.
Genome position (GRCh38, 1-based): chr5:171,870,787, C>T on the plus strand (G>A on the coding strand, the complement: FBXW11 is on the minus strand). VCF-style: chr5-171870787-C-T. GRCh37 (hg19) VCF-style: chr5-171297791-C-T.
Other names: c.1343G>A, p.Arg448Gln (NM_001378975.1); c.1316G>A, p.Arg439Gln (NM_001378976.1); c.1253G>A, p.Arg418Gln (NM_001378977.1, NM_001378978.1, NM_001378979.1); c.1247G>A, p.Arg416Gln (NM_001378980.1, NM_033645.3); c.1349G>A, p.Arg450Gln (NM_012300.3); c.1310G>A, p.Arg437Gln (NM_033644.3); short protein forms R416Q, R418Q, R437Q, R439Q, R448Q, R450Q, R471Q.
Identifiers: ClinVar variation 3370595 (VCV003370595.1).
Genomic context (GRCh38, chr5:171,870,787, plus strand): 5'-CTGAAAATCTGAAAGACATACCCATCATAGGCCCCACTGACAATCCTCTTGTTATCAAAC[C>T]GGATGCATCGGACCAATTCTTCATGTCCCTCTAGGACTCTTAAACAGGCACCACATTCAA-3'
Protein context (NP_001365903.1, residues 461-481): EGHEELVRCI[Arg471Gln]FDNKRIVSGA